The following is an entry in ClinVar:

NM_000289.6(PFKM):c.811G>T (p.Gly271Ter)

Gene: PFKM (phosphofructokinase, muscle; plus strand). Cytogenetic location: 12q13.11.
Variant type: single nucleotide variant.
Coding change: c.811G>T on transcript NM_000289.6 (MANE Select); coding-DNA position 811, G replaced by T.
Protein change: p.Gly271Ter; replaces glycine 271 with a stop codon.
Molecular consequence: nonsense. On other transcripts: non-coding transcript variant (6).
Genome position (GRCh38, 1-based): chr12:48,135,006, G>T. VCF-style: chr12-48135006-G-T. GRCh37 (hg19) VCF-style: chr12-48528789-G-T.
Other names: c.1024G>T, p.Gly342Ter (NM_001166686.2, NM_001354737.1, NM_001354738.1 and 1 more transcripts); c.811G>T, p.Gly271Ter (NM_001166687.2, NM_001166688.2, NM_001354742.2 and 4 more transcripts); c.1120G>T, p.Gly374Ter (NM_001354735.1, NM_001354736.1); c.955G>T, p.Gly319Ter (NM_001354740.1); c.835G>T, p.Gly279Ter (NM_001354741.2); c.724G>T, p.Gly242Ter (NM_001354745.2); c.661G>T, p.Gly221Ter (NM_001354747.2, NM_001354748.2); short protein forms G221*, G242*, G271*, G279*, G319*, G342*, G374*.
Identifiers: ClinVar variation 2677750 (VCV002677750.2), dbSNP rs2498378481, ClinGen allele CA384545433.

ClinVar aggregate classification (germline): Pathogenic/Likely pathogenic. Review status: criteria provided, multiple submitters, no conflicts (2 of 4 stars). 2 submissions from 2 submitters: Pathogenic (1); Likely pathogenic (1). Last evaluated 2026-07-25.

Conditions:
Glycogen storage disease, type VII (GSD7). Also called: MUSCLE PHOSPHOFRUCTOKINASE DEFICIENCY; PFKM DEFICIENCY; TARUI DISEASE; GSD VII. Identifiers: Orphanet 371, MedGen C0017926, MONDO:0009295, OMIM 232800.

Submissions (2):

Myriad Genetics, Inc.
Classification: Pathogenic for Glycogen storage disease, type VII. Last evaluated: 2026-07-25. Review status: criteria provided, single submitter. Criteria: Myriad Autosomal Dominant, Autosomal Recessive and X-Linked Classification Criteria (2023). Collection method: clinical testing. Allele origin: unknown.
Comment: NM_001166686.1(PFKM):c.1024G>T(G342*) is expected to be pathogenic in the context of glycogen storage disease, PFKM-related. This variant is predicted to lead to an abnormal or absent protein product due to the creation of a premature termination codon in PFKM, a gene where loss-of-function variants are known to be pathogenic. Please note: this variant was assessed in the context of healthy population screening.

Baylor Genetics
Classification: Likely pathogenic for Glycogen storage disease, type VII. Last evaluated: 2022-09-14. Review status: criteria provided, single submitter. Criteria: ACMG Guidelines, 2015. Collection method: clinical testing. Allele origin: unknown.